The following is an entry in ClinVar:

ClinVar aggregate classification (germline): Uncertain significance. Review status: criteria provided, multiple submitters, no conflicts (2 of 4 stars). 3 submissions from 3 submitters: Uncertain significance (3). Last evaluated 2024-09-01.

Conditions:
Hereditary cancer-predisposing syndrome. Also called: Neoplastic Syndromes, Hereditary; Hereditary Cancer Syndrome; Tumor predisposition; Hereditary neoplastic syndrome. Identifiers: Orphanet 140162, MedGen C0027672, MeSH D009386, MONDO:0015356.
Familial cancer of breast. Also called: BREAST CANCER, FAMILIAL; Hereditary breast cancer; hereditary breast carcinoma. Identifiers: Orphanet 227535, MedGen C0346153, MONDO:0016419, OMIM 114480. Disease mechanism: loss of function.

Allele frequency attached by ClinVar (database versions not stated): TOPMed below 0.00001; ExAC 0.00001; gnomAD exomes 0.00001.
gnomAD v4.1: 4 of 1,613,974 alleles (0.00025%); highest among the groups gnomAD compares: South Asian, 0.0044%; no homozygotes.

Submissions (3):

Ambry Genetics
Classification: Uncertain significance for Hereditary cancer-predisposing syndrome. Last evaluated: 2024-09-01. Review status: criteria provided, single submitter. Criteria: Ambry Variant Classification Scheme 2023. Collection method: clinical testing. Allele origin: germline.
Comment: The p.T706A variant (also known as c.2116A>G), located in coding exon 5 of the PALB2 gene, results from an A to G substitution at nucleotide position 2116. The threonine at codon 706 is replaced by alanine, an amino acid with similar properties. This amino acid position is conserved. In addition, the in silico prediction for this alteration is inconclusive. Based on the available evidence, the clinical significance of this variant remains unclear.

Labcorp Genetics (formerly Invitae), Labcorp
Classification: Uncertain significance for Familial cancer of breast. Last evaluated: 2023-08-11. Review status: criteria provided, single submitter. Criteria: Invitae Variant Classification Sherloc (09022015). Collection method: clinical testing. Allele origin: germline.
Comment: In summary, the available evidence is currently insufficient to determine the role of this variant in disease. Therefore, it has been classified as a Variant of Uncertain Significance. Advanced modeling of protein sequence and biophysical properties (such as structural, functional, and spatial information, amino acid conservation, physicochemical variation, residue mobility, and thermodynamic stability) performed at Invitae indicates that this missense variant is expected to disrupt PALB2 protein function. ClinVar contains an entry for this variant (Variation ID: 803235). This variant has not been reported in the literature in individuals affected with PALB2-related conditions. This variant is present in population databases (rs767056829, gnomAD 0.01%). This sequence change replaces threonine, which is neutral and polar, with alanine, which is neutral and non-polar, at codon 706 of the PALB2 protein (p.Thr706Ala).

Mendelics
Classification: Uncertain significance for Familial cancer of breast. Last evaluated: 2019-05-28. Review status: criteria provided, single submitter. Criteria: Mendelics Assertion Criteria 2017. Collection method: clinical testing. Allele origin: unknown.

NM_024675.4(PALB2):c.2116A>G (p.Thr706Ala)

Gene: PALB2 (partner and localizer of BRCA2; minus strand). Cytogenetic location: 16p12.2.
Variant type: single nucleotide variant.
Coding change: c.2116A>G on transcript NM_024675.4 (MANE Select); coding-DNA position 2116, A replaced by G.
Protein change: p.Thr706Ala; replaces threonine 706 with alanine.
Molecular consequence: missense variant.
Genome position (GRCh38, 1-based): chr16:23,630,038, T>C on the plus strand (A>G on the coding strand, the complement: PALB2 is on the minus strand). VCF-style: chr16-23630038-T-C. GRCh37 (hg19) VCF-style: chr16-23641359-T-C.
Other names: c.2116A>G (NM_024675.3); short protein forms T706A.
Identifiers: ClinVar variation 803235 (VCV000803235.6), dbSNP rs767056829, ClinGen allele CA7963620.